The following is an entry in ClinVar:

ClinVar aggregate classification (germline): Uncertain significance (1 of 4 stars; one submission).

Conditions:
Inclusion body myopathy with early-onset Paget disease with or without frontotemporal dementia 2 (IBMPFD2). Also called: MULTISYSTEM PROTEINOPATHY 2. Identifiers: MedGen C3809468, MONDO:0014178, OMIM 615422.

Allele frequency attached by ClinVar (database versions not stated): TOPMed below 0.00001; gnomAD 0.00001; gnomAD exomes 0.00001.
gnomAD v4.1: 4 of 1,613,970 alleles (0.00025%); highest among the groups gnomAD compares: South Asian, 0.0033%; no homozygotes.

Submission:

Labcorp Genetics (formerly Invitae), Labcorp
Classification: Uncertain significance for Inclusion body myopathy with early-onset Paget disease with or without frontotemporal dementia 2. Last evaluated: 2023-04-29. Review status: criteria provided, single submitter. Criteria: Invitae Variant Classification Sherloc (09022015). Collection method: clinical testing. Allele origin: germline.
Comment: This variant is present in population databases (no rsID available, gnomAD 0.003%). This sequence change replaces serine, which is neutral and polar, with asparagine, which is neutral and polar, at codon 225 of the HNRNPA2B1 protein (p.Ser225Asn). This variant has not been reported in the literature in individuals affected with HNRNPA2B1-related conditions. In summary, the available evidence is currently insufficient to determine the role of this variant in disease. Therefore, it has been classified as a Variant of Uncertain Significance. Advanced modeling of protein sequence and biophysical properties (such as structural, functional, and spatial information, amino acid conservation, physicochemical variation, residue mobility, and thermodynamic stability) performed at Invitae indicates that this missense variant is not expected to disrupt HNRNPA2B1 protein function.

NM_002137.4(HNRNPA2B1):c.638G>A (p.Ser213Asn)

Gene: HNRNPA2B1 (heterogeneous nuclear ribonucleoprotein A2/B1; minus strand). Cytogenetic location: 7p15.2.
Variant type: single nucleotide variant.
Coding change: c.638G>A on transcript NM_002137.4 (MANE Select); coding-DNA position 638, G replaced by A.
Protein change: p.Ser213Asn; replaces serine 213 with asparagine.
Molecular consequence: missense variant.
Genome position (GRCh38, 1-based): chr7:26,196,421, C>T on the plus strand (G>A on the coding strand, the complement: HNRNPA2B1 is on the minus strand). VCF-style: chr7-26196421-C-T. GRCh37 (hg19) VCF-style: chr7-26236041-C-T.
Other names: c.674G>A, p.Ser225Asn (NM_031243.4); short protein forms S213N, S225N.
Identifiers: ClinVar variation 2910252 (VCV002910252.3), dbSNP rs1377160953, ClinGen allele CA367078115.